The following is an entry in ClinVar:

ClinVar aggregate classification (germline): Uncertain significance (1 of 4 stars; one submission).

Submission:

Labcorp Genetics (formerly Invitae), Labcorp
Classification: Uncertain significance. Last evaluated: 2024-12-10. Review status: criteria provided, single submitter. Criteria: Invitae Variant Classification Sherloc (09022015). Collection method: clinical testing. Allele origin: germline.
Comment: This sequence change replaces aspartic acid, which is acidic and polar, with glycine, which is neutral and non-polar, at codon 2033 of the DCHS1 protein (p.Asp2033Gly). This variant is not present in population databases (gnomAD no frequency). This variant has not been reported in the literature in individuals affected with DCHS1-related conditions. Invitae Evidence Modeling of protein sequence and biophysical properties (such as structural, functional, and spatial information, amino acid conservation, physicochemical variation, residue mobility, and thermodynamic stability) has been performed for this missense variant. However, the output from this modeling did not meet the statistical confidence thresholds required to predict the impact of this variant on DCHS1 protein function. In summary, the available evidence is currently insufficient to determine the role of this variant in disease. Therefore, it has been classified as a Variant of Uncertain Significance.

NM_003737.4(DCHS1):c.6098A>G (p.Asp2033Gly)

Gene: DCHS1 (dachsous cadherin-related 1; minus strand). Cytogenetic location: 11p15.4.
Variant type: single nucleotide variant.
Coding change: c.6098A>G on transcript NM_003737.4 (MANE Select); coding-DNA position 6098, A replaced by G.
Protein change: p.Asp2033Gly; replaces aspartic acid 2033 with glycine.
Molecular consequence: missense variant.
Genome position (GRCh38, 1-based): chr11:6,626,941, T>C on the plus strand (A>G on the coding strand, the complement: DCHS1 is on the minus strand). VCF-style: chr11-6626941-T-C. GRCh37 (hg19) VCF-style: chr11-6648172-T-C.
Other names: short protein forms D2033G.
Identifiers: ClinVar variation 3706455 (VCV003706455.2).